The following is an entry in ClinVar:

ClinVar aggregate classification (germline): Conflicting classifications of pathogenicity. Review status: criteria provided, conflicting classifications (1 of 4 stars). 7 submissions from 6 submitters: Uncertain significance (2); Likely benign (5). Last evaluated 2025-05-19.

Conditions:
Hypertrophic cardiomyopathy 4. Also called: Familial hypertrophic cardiomyopathy 4. Identifiers: MedGen C1861862, MONDO:0007268, OMIM 115197.
Cardiomyopathy (CMYO). Also called: Cardiomyopathies. Identifiers: Orphanet 167848, MedGen C0878544, MONDO:0004994, HP:0001638. Inheritance: Various modes of inheritance.
Cardiovascular phenotype. Identifiers: MedGen CN230736.
Hypertrophic cardiomyopathy. Also called: HYPERTROPHIC MYOCARDIOPATHY. Identifiers: Orphanet 217569, MedGen C0007194, MeSH D002312, MONDO:0005045, HP:0001639.
Left ventricular noncompaction 10 (LVNC10). Identifiers: Orphanet 154, Orphanet 54260, MedGen C3715165, MONDO:0014163, OMIM 615396.

Allele frequency attached by ClinVar (database versions not stated): TOPMed 0.00002; gnomAD 0.00004.
gnomAD v4.1: 29 of 1,609,564 alleles (0.0018%); highest among the groups gnomAD compares: East Asian, 0.022%; no homozygotes.

Submissions (7):

Labcorp Genetics (formerly Invitae), Labcorp
Classification: Likely benign for Hypertrophic cardiomyopathy. Last evaluated: 2025-05-19. Review status: criteria provided, single submitter. Criteria: Invitae Variant Classification Sherloc (09022015). Collection method: clinical testing. Allele origin: germline.

Molecular Diagnostic Laboratory for Inherited Cardiovascular Disease, Montreal Heart Institute
Classification: Likely benign. Last evaluated: 2025-04-09. Review status: criteria provided, single submitter. Criteria: ACMG Guidelines, 2015. Collection method: clinical testing. Allele origin: germline. Affected: no.

All of Us Research Program, National Institutes of Health
Classification: Likely benign for Hypertrophic cardiomyopathy. Last evaluated: 2023-09-17. Review status: criteria provided, single submitter. Criteria: ACMG Guidelines, 2015. Collection method: clinical testing. Allele origin: germline. Inheritance: Autosomal dominant inheritance. Observed: 1 variant allele, 1 heterozygote.
Comment: This study involves interpretation of variants in research participants for the purpose of population health screening. Participant phenotype was not available at the time of variant classification. Additional details can be found in publication PMID: 35346344, PMCID: PMC8962531

Ambry Genetics
Classification: Likely benign for Cardiovascular phenotype. Last evaluated: 2020-01-10. Review status: criteria provided, single submitter. Criteria: Ambry Variant Classification Scheme 2023. Collection method: clinical testing. Allele origin: germline.

Color Diagnostics, LLC DBA Color Health
Classification: Likely benign for Cardiomyopathy. Last evaluated: 2019-12-09. Review status: criteria provided, single submitter. Criteria: ACMG Guidelines, 2015. Collection method: clinical testing. Allele origin: germline.

Illumina Laboratory Services, Illumina
Classification: Uncertain significance for Hypertrophic cardiomyopathy 4. Last evaluated: 2017-04-27. Review status: criteria provided, single submitter. Criteria: ICSL Variant Classification Criteria 13 December 2019. Collection method: clinical testing. Allele origin: germline.

Illumina Laboratory Services, Illumina
Classification: Uncertain significance for Left ventricular noncompaction 10. Last evaluated: 2017-04-27. Review status: criteria provided, single submitter. Criteria: ICSL Variant Classification Criteria 13 December 2019. Collection method: clinical testing. Allele origin: germline.

NM_000256.3(MYBPC3):c.1152C>T (p.Thr384=)

Gene: MYBPC3 (myosin binding protein C3; minus strand). Cytogenetic location: 11p11.2.
Variant type: single nucleotide variant.
Coding change: c.1152C>T on transcript NM_000256.3 (MANE Select); coding-DNA position 1152, C replaced by T.
Protein change: p.Thr384=; no amino-acid change (threonine 384 retained).
Molecular consequence: synonymous variant.
Genome position (GRCh38, 1-based): chr11:47,343,563, G>A on the plus strand (C>T on the coding strand, the complement: MYBPC3 is on the minus strand). VCF-style: chr11-47343563-G-A. GRCh37 (hg19) VCF-style: chr11-47365114-G-A.
Identifiers: ClinVar variation 878506 (VCV000878506.18), dbSNP rs775237084, ClinGen allele CA042935.